The following is an entry in ClinVar:

NM_004380.3(CREBBP):c.4358T>C (p.Ile1453Thr)

Gene: CREBBP (CREB binding protein; minus strand). Cytogenetic location: 16p13.3.
Variant type: single nucleotide variant.
Coding change: c.4358T>C on transcript NM_004380.3 (MANE Select); coding-DNA position 4358, T replaced by C.
Protein change: p.Ile1453Thr; replaces isoleucine 1453 with threonine.
Molecular consequence: missense variant.
Genome position (GRCh38, 1-based): chr16:3,738,595, A>G on the plus strand (T>C on the coding strand, the complement: CREBBP is on the minus strand). VCF-style: chr16-3738595-A-G. GRCh37 (hg19) VCF-style: chr16-3788596-A-G.
Other names: c.4244T>C, p.Ile1415Thr (NM_001079846.1); short protein forms I1453T, I1415T.
Identifiers: ClinVar variation 421310 (VCV000421310.2), dbSNP rs1064795050, ClinGen allele CA16620204.

ClinVar aggregate classification (germline): Likely pathogenic (1 of 4 stars; one submission).

Submission:

GeneDx
Classification: Likely pathogenic. Last evaluated: 2016-05-23. Review status: criteria provided, single submitter. Criteria: GeneDx Variant Classification (06012015). Collection method: clinical testing. Allele origin: germline. Affected: yes.
Comment: The I1453T variant in the CREBBP gene has not been reported previously as a pathogenic variant, nor as a benign variant, to our knowledge. The I1453T variant was not observed in approximately 6,500 individuals of European and African American ancestry in the NHLBI Exome Sequencing Project, indicating it is not a common benign variant in these populations. The I1453T variant is a non-conservative amino acid substitution, which is likely to impact secondary protein structure as these residues differ in polarity, charge, size and/or other properties. This substitution occurs at a position that is conserved across species. In silico analysis predicts this variant is probably damaging to the protein structure/function. In addition, missense variants in nearby residues (Y1450H, L1454H) have been reported in the Human Gene Mutation Database in association with Rubenstein-Taybi syndrome (Stenson et al., 2014), supporting the functional importance of this region of the protein. Therefore, we interpret I1453T as a strong candidate for a pathogenic variant; however the possibility that it may be a rare benign variant cannot be excluded.